The following is an entry in ClinVar:

NM_006939.4(SOS2):c.1306G>A (p.Gly436Arg)

Gene: SOS2 (SOS Ras/Rho guanine nucleotide exchange factor 2; minus strand). Cytogenetic location: 14q21.3.
Variant type: single nucleotide variant.
Coding change: c.1306G>A on transcript NM_006939.4 (MANE Select); coding-DNA position 1306, G replaced by A.
Protein change: p.Gly436Arg; replaces glycine 436 with arginine.
Molecular consequence: missense variant.
Genome position (GRCh38, 1-based): chr14:50,159,977, C>T on the plus strand (G>A on the coding strand, the complement: SOS2 is on the minus strand). VCF-style: chr14-50159977-C-T. GRCh37 (hg19) VCF-style: chr14-50626695-C-T.
Other names: c.1207G>A, p.Gly403Arg (NM_001411020.1); short protein forms G403R, G436R.
Identifiers: ClinVar variation 3061038 (VCV003061038.2), dbSNP rs2502991712, ClinGen allele CA389646090.

ClinVar aggregate classification (germline): Uncertain significance (0 of 4 stars; one submission).

Conditions:
SOS2-related disorder. Also called: SOS2-related condition.

Submission:

PreventionGenetics, part of Exact Sciences
Classification: Uncertain significance for SOS2-related condition. Last evaluated: 2024-02-25. Review status: no assertion criteria provided. Collection method: clinical testing. Allele origin: germline.
Comment: The SOS2 c.1306G>A variant is predicted to result in the amino acid substitution p.Gly436Arg. To our knowledge, this variant has not been reported in the literature or in a large population database, indicating this variant is rare. At this time, the clinical significance of this variant is uncertain due to the absence of conclusive functional and genetic evidence.